The following is an entry in ClinVar:

NM_000092.5(COL4A4):c.3997C>T (p.Gln1333Ter)

Gene: COL4A4 (collagen type IV alpha 4 chain; minus strand). Cytogenetic location: 2q36.3.
Variant type: single nucleotide variant.
Coding change: c.3997C>T on transcript NM_000092.5 (MANE Select); coding-DNA position 3997, C replaced by T.
Protein change: p.Gln1333Ter; replaces glutamine 1333 with a stop codon.
Molecular consequence: nonsense.
Genome position (GRCh38, 1-based): chr2:227,027,986, G>A on the plus strand (C>T on the coding strand, the complement: COL4A4 is on the minus strand). VCF-style: chr2-227027986-G-A. GRCh37 (hg19) VCF-style: chr2-227892702-G-A.
Other names: short protein forms Q1333*.
Identifiers: ClinVar variation 1455418 (VCV001455418.6), dbSNP rs2149925286, ClinGen allele CA350837099.

ClinVar aggregate classification (germline): Pathogenic (1 of 4 stars; one submission).

Submission:

Labcorp Genetics (formerly Invitae), Labcorp
Classification: Pathogenic. Last evaluated: 2022-07-06. Review status: criteria provided, single submitter. Criteria: Invitae Variant Classification Sherloc (09022015). Collection method: clinical testing. Allele origin: germline.
Comment: This variant has not been reported in the literature in individuals affected with COL4A4-related conditions. ClinVar contains an entry for this variant (Variation ID: 1455418). Algorithms developed to predict the effect of sequence changes on RNA splicing suggest that this variant may create or strengthen a splice site. For these reasons, this variant has been classified as Pathogenic. This variant is not present in population databases (gnomAD no frequency). This sequence change creates a premature translational stop signal (p.Gln1333*) in the COL4A4 gene. It is expected to result in an absent or disrupted protein product. Loss-of-function variants in COL4A4 are known to be pathogenic (PMID: 21196518, 24854265, 25307543).

Literature cited by the submitters: PubMed 21196518; PubMed 24854265; PubMed 25307543.